The following is an entry in ClinVar:

NM_005956.4(MTHFD1):c.1652C>T (p.Thr551Met)

Gene: MTHFD1 (methylenetetrahydrofolate dehydrogenase, cyclohydrolase and formyltetrahydrofolate synthetase 1; plus strand). Cytogenetic location: 14q23.3.
Variant type: single nucleotide variant.
Coding change: c.1652C>T on transcript NM_005956.4 (MANE Select); coding-DNA position 1652, C replaced by T.
Protein change: p.Thr551Met; replaces threonine 551 with methionine.
Molecular consequence: missense variant.
Genome position (GRCh38, 1-based): chr14:64,439,150, C>T. VCF-style: chr14-64439150-C-T. GRCh37 (hg19) VCF-style: chr14-64905868-C-T.
Other names: c.1652C>T, p.Thr551Met (NM_001364837.1); short protein forms T551M.
Identifiers: ClinVar variation 1405611 (VCV001405611.3), dbSNP rs375439399, ClinGen allele CA7226314.

ClinVar aggregate classification (germline): Uncertain significance (1 of 4 stars; one submission).

Allele frequency attached by ClinVar (database versions not stated): ExAC 0.00002; gnomAD exomes 0.00002; gnomAD 0.00003; ESP Exome Variant Server 0.00008.

Submission:

Labcorp Genetics (formerly Invitae), Labcorp
Classification: Uncertain significance. Last evaluated: 2021-11-04. Review status: criteria provided, single submitter. Criteria: Invitae Variant Classification Sherloc (09022015). Collection method: clinical testing. Allele origin: germline.
Comment: This sequence change replaces threonine, which is neutral and polar, with methionine, which is neutral and non-polar, at codon 551 of the MTHFD1 protein (p.Thr551Met). This variant is present in population databases (rs375439399, gnomAD 0.005%). This variant has not been reported in the literature in individuals affected with MTHFD1-related conditions. Algorithms developed to predict the effect of missense changes on protein structure and function are either unavailable or do not agree on the potential impact of this missense change (SIFT: "Deleterious"; PolyPhen-2: "Benign"; Align-GVGD: "Class C0"). In summary, the available evidence is currently insufficient to determine the role of this variant in disease. Therefore, it has been classified as a Variant of Uncertain Significance.